The following is an entry in ClinVar:

ClinVar aggregate classification (germline): Pathogenic (1 of 4 stars; one submission).

Submission:

Labcorp Genetics (formerly Invitae), Labcorp
Classification: Pathogenic. Last evaluated: 2024-05-08. Review status: criteria provided, single submitter. Criteria: Invitae Variant Classification Sherloc (09022015). Collection method: clinical testing. Allele origin: germline.
Comment: This sequence change creates a premature translational stop signal (p.Ser491Profs*62) in the ABCA3 gene. It is expected to result in an absent or disrupted protein product. Loss-of-function variants in ABCA3 are known to be pathogenic (PMID: 27516224). This variant is not present in population databases (gnomAD no frequency). This premature translational stop signal has been observed in individual(s) with autosomal recessive surfactant deficiency (PMID: 17429902). For these reasons, this variant has been classified as Pathogenic.

Literature cited by the submitters: PubMed 27516224; PubMed 17429902.

NM_001089.3(ABCA3):c.1470del (p.Ser491fs)

Gene: ABCA3 (ATP binding cassette subfamily A member 3; minus strand). Cytogenetic location: 16p13.3.
Variant type: Deletion.
Coding change: c.1470del on transcript NM_001089.3 (MANE Select); coding-DNA position 1470, one base deleted (C; older notation c.1470delC).
Protein change: p.Ser491fs; shifts the reading frame from serine 491.
Molecular consequence: frameshift variant.
Genome position (GRCh38, 1-based): chr16:2,300,146, G deleted on the plus strand (C on the coding strand, the reverse complement: ABCA3 is on the minus strand); the first of 3 consecutive G bases (chr16:2,300,146-2,300,148); deleting any one gives the same sequence. VCF-style (leftmost placement, unchanged base first): chr16-2300145-AG-A. GRCh37 (hg19) VCF-style: chr16-2350146-AG-A.
Other names: short protein forms S491fs.
Identifiers: ClinVar variation 2736311 (VCV002736311.3), dbSNP rs2093686699, ClinGen allele CA973786001.